The following is an entry in ClinVar:

ClinVar aggregate classification (germline): Likely benign. Review status: criteria provided, multiple submitters, no conflicts (2 of 4 stars). 2 submissions from 2 submitters: Likely benign (2). Last evaluated 2026-05-15.

Conditions:
FBXO38-related disorder. Also called: FBXO38-related condition.

Allele frequency attached by ClinVar (database versions not stated): ESP Exome Variant Server 0.00008.
gnomAD v4.1: 217 of 1,602,792 alleles (0.014%); highest among the groups gnomAD compares: Non-Finnish European, 0.018%; no homozygotes.

Submissions (2):

PreventionGenetics, part of Exact Sciences
Classification: Likely benign for FBXO38-related condition. Last evaluated: 2026-05-15. Review status: criteria provided, single submitter. Criteria: ACMG Guidelines, 2015. Collection method: clinical testing. Allele origin: germline.
Comment: This variant is classified as likely benign based on ACMG/AMP sequence variant interpretation guidelines (Richards et al. 2015 PMID: 25741868, with internal and published modifications).

Ambry Genetics
Classification: Likely benign. Last evaluated: 2020-10-13. Review status: criteria provided, single submitter. Criteria: Ambry Variant Classification Scheme 2023. Collection method: clinical testing. Allele origin: germline.

NM_205836.3(FBXO38):c.2540G>T (p.Arg847Met)

Gene: FBXO38 (F-box protein 38; plus strand). Cytogenetic location: 5q32.
Variant type: single nucleotide variant.
Coding change: c.2540G>T on transcript NM_205836.3 (MANE Select); coding-DNA position 2540, G replaced by T.
Protein change: p.Arg847Met; replaces arginine 847 with methionine.
Molecular consequence: missense variant. On other transcripts: intron variant (2).
Genome position (GRCh38, 1-based): chr5:148,427,834, G>T. VCF-style: chr5-148427834-G-T. GRCh37 (hg19) VCF-style: chr5-147807397-G-T.
Other names: c.2540G>T (NM_205836.2); c.2428+112G>T (NM_030793.5); c.1918+2133G>T (NM_001271723.2); short protein forms R847M.
Identifiers: ClinVar variation 1792819 (VCV001792819.3), dbSNP rs200535006, ClinGen allele CA3497532.